The following is an entry in ClinVar:

NM_177438.3(DICER1):c.998T>C (p.Ile333Thr)

Gene: DICER1 (dicer 1, ribonuclease III; minus strand). Cytogenetic location: 14q32.13.
Variant type: single nucleotide variant.
Coding change: c.998T>C on transcript NM_177438.3 (MANE Select); coding-DNA position 998, T replaced by C.
Protein change: p.Ile333Thr; replaces isoleucine 333 with threonine.
Molecular consequence: missense variant.
Genome position (GRCh38, 1-based): chr14:95,124,574, A>G on the plus strand (T>C on the coding strand, the complement: DICER1 is on the minus strand). VCF-style: chr14-95124574-A-G. GRCh37 (hg19) VCF-style: chr14-95590911-A-G.
Other names: c.998T>C, p.Ile333Thr (NM_001195573.1, NM_001271282.3, NM_001291628.2 and 1 more transcripts); short protein forms I333T.
Identifiers: ClinVar variation 641099 (VCV000641099.10), dbSNP rs1595440132, ClinGen allele CA390887197.

ClinVar aggregate classification (germline): Uncertain significance (1 of 4 stars; one submission).

Conditions:
DICER1-related tumor predisposition. Also called: DICER1 syndrome; DICER1-related pleuropulmonary blastoma cancer predisposition syndrome. Identifiers: Orphanet 284343, MedGen C3839822, MONDO:0100216.

Submission:

Labcorp Genetics (formerly Invitae), Labcorp
Classification: Uncertain significance for DICER1-related tumor predisposition. Last evaluated: 2023-10-12. Review status: criteria provided, single submitter. Criteria: Invitae Variant Classification Sherloc (09022015). Collection method: clinical testing. Allele origin: germline.
Comment: This sequence change replaces isoleucine, which is neutral and non-polar, with threonine, which is neutral and polar, at codon 333 of the DICER1 protein (p.Ile333Thr). This variant is not present in population databases (gnomAD no frequency). This variant has not been reported in the literature in individuals affected with DICER1-related conditions. ClinVar contains an entry for this variant (Variation ID: 641099). Advanced modeling of protein sequence and biophysical properties (such as structural, functional, and spatial information, amino acid conservation, physicochemical variation, residue mobility, and thermodynamic stability) performed at Invitae indicates that this missense variant is not expected to disrupt DICER1 protein function. In summary, the available evidence is currently insufficient to determine the role of this variant in disease. Therefore, it has been classified as a Variant of Uncertain Significance.